The following is an entry in ClinVar:

NM_000094.4(COL7A1):c.311T>C (p.Ile104Thr)

Gene: COL7A1 (collagen type VII alpha 1 chain; minus strand). Cytogenetic location: 3p21.31.
Variant type: single nucleotide variant.
Coding change: c.311T>C on transcript NM_000094.4 (MANE Select); coding-DNA position 311, T replaced by C.
Protein change: p.Ile104Thr; replaces isoleucine 104 with threonine.
Molecular consequence: missense variant.
Genome position (GRCh38, 1-based): chr3:48,593,652, A>G on the plus strand (T>C on the coding strand, the complement: COL7A1 is on the minus strand). VCF-style: chr3-48593652-A-G. GRCh37 (hg19) VCF-style: chr3-48631085-A-G.
Other names: short protein forms I104T.
Identifiers: ClinVar variation 4703817 (VCV004703817.1).

ClinVar aggregate classification (germline): Uncertain significance (1 of 4 stars; one submission).

gnomAD v4.1: 1 of 1,614,164 alleles (0.000062%); highest among the groups gnomAD compares: Non-Finnish European, 0.000085%; no homozygotes.

Submission:

Labcorp Genetics (formerly Invitae), Labcorp
Classification: Uncertain significance. Last evaluated: 2025-11-11. Review status: criteria provided, single submitter. Criteria: Invitae Variant Classification Sherloc (09022015). Collection method: clinical testing. Allele origin: germline.
Comment: This sequence change replaces isoleucine, which is neutral and non-polar, with threonine, which is neutral and polar, at codon 104 of the COL7A1 protein (p.Ile104Thr). This variant is not present in population databases (gnomAD no frequency). This variant has not been reported in the literature in individuals affected with COL7A1-related conditions. Invitae Evidence Modeling of protein sequence and biophysical properties (such as structural, functional, and spatial information, amino acid conservation, physicochemical variation, residue mobility, and thermodynamic stability) has been performed for this missense variant. However, the output from this modeling did not meet the statistical confidence thresholds required to predict the impact of this variant on COL7A1 protein function. In summary, the available evidence is currently insufficient to determine the role of this variant in disease. Therefore, it has been classified as a Variant of Uncertain Significance.